The following is an entry in ClinVar:

ClinVar aggregate classification (germline): Uncertain significance. Review status: criteria provided, multiple submitters, no conflicts (2 of 4 stars). 2 submissions from 2 submitters: Uncertain significance (2). Last evaluated 2026-02-23.

Conditions:
Progressive familial heart block type IB (PFHB1B). Identifiers: Orphanet 871, MedGen C1970298, MONDO:0011474, OMIM 604559.

gnomAD v4.1: 1 of 1,614,090 alleles (0.000062%); highest among the groups gnomAD compares: Admixed American, 0.0017%; no homozygotes.

Submissions (2):

Women's Health and Genetics/Laboratory Corporation of America, LabCorp
Classification: Uncertain significance. Last evaluated: 2026-02-23. Review status: criteria provided, single submitter. Criteria: LabCorp Variant Classification Summary - May 2015. Collection method: clinical testing. Allele origin: germline.
Comment: Variant summary: TRPM4 c.2888T>A (p.Leu963Gln) results in a non-conservative amino acid change in the encoded protein sequence. Algorithms developed to predict the effect of missense changes on protein structure and function are either unavailable or do not agree on the potential impact of this missense change. The variant allele was found at a frequency of 4e-06 in 251224 control chromosomes. The available data on variant occurrences in the general population are insufficient to allow any conclusion about variant significance. To our knowledge, no occurrence of c.2888T>A in individuals affected with TRPM4-related conditions and no experimental evidence demonstrating its impact on protein function have been reported. No submitters have cited clinical-significance assessments for this variant to ClinVar. Based on the evidence outlined above, the variant was classified as uncertain significance.

Labcorp Genetics (formerly Invitae), Labcorp
Classification: Uncertain significance for Progressive familial heart block type IB. Last evaluated: 2025-10-27. Review status: criteria provided, single submitter. Criteria: Invitae Variant Classification Sherloc (09022015). Collection method: clinical testing. Allele origin: germline.
Comment: This sequence change replaces leucine, which is neutral and non-polar, with glutamine, which is neutral and polar, at codon 963 of the TRPM4 protein (p.Leu963Gln). This variant is present in population databases (no rsID available, gnomAD 0.003%). This variant has not been reported in the literature in individuals affected with TRPM4-related conditions. An algorithm developed to predict the effect of missense changes on protein structure and function (PolyPhen-2) suggests that this variant is likely to be disruptive. In summary, the available evidence is currently insufficient to determine the role of this variant in disease. Therefore, it has been classified as a Variant of Uncertain Significance.

NM_017636.4(TRPM4):c.2888T>A (p.Leu963Gln)

Gene: TRPM4 (transient receptor potential cation channel subfamily M member 4; plus strand). Cytogenetic location: 19q13.33.
Variant type: single nucleotide variant.
Coding change: c.2888T>A on transcript NM_017636.4 (MANE Select); coding-DNA position 2888, T replaced by A.
Protein change: p.Leu963Gln; replaces leucine 963 with glutamine.
Molecular consequence: missense variant.
Genome position (GRCh38, 1-based): chr19:49,200,720, T>A. VCF-style: chr19-49200720-T-A. GRCh37 (hg19) VCF-style: chr19-49703977-T-A.
Other names: c.2453T>A, p.Leu818Gln (NM_001195227.2); c.2543T>A, p.Leu848Gln (NM_001321281.2); c.1280T>A, p.Leu427Gln (NM_001321282.2); c.2366T>A, p.Leu789Gln (NM_001321283.2); c.1826T>A, p.Leu609Gln (NM_001321285.2); short protein forms L789Q, L818Q, L609Q, L963Q, L427Q, L848Q.
Identifiers: ClinVar variation 4781692 (VCV004781692.2).